The following is an entry in ClinVar:

ClinVar aggregate classification (germline): Likely pathogenic (1 of 4 stars; one submission).

Submission:

Dasa
Classification: Likely pathogenic. Last evaluated: 2024-09-04. Review status: criteria provided, single submitter. Criteria: DASA Assertion Criteria. Collection method: clinical testing. Allele origin: germline.
Comment: NM_006383.4(CIB2):c.349_352dup (p.Asn118Ilefs*4) is a frameshift variant in CIB2 predicted to alter the reading frame and introduce a premature termination codon and is predicted to result in an absent or altered protein product. Loss of function is an established disease mechanism for CIB2-associated disorders. Also, this variant is absent from population databases. Based on the currently available evidence, this variant is classified as likely pathogenic.

NM_006383.4(CIB2):c.349_352dup (p.Asn118fs)

Gene: CIB2 (calcium and integrin binding family member 2; minus strand). Cytogenetic location: 15q25.1.
Variant type: Duplication.
Coding change: c.349_352dup on transcript NM_006383.4 (MANE Select); coding-DNA positions 349 to 352, 4 bases duplicated (TTCA; older notation c.349_352dupTTCA).
Protein change: p.Asn118fs; shifts the reading frame from asparagine 118.
Molecular consequence: frameshift variant. On other transcripts: non-coding transcript variant (1).
Genome position (GRCh38, 1-based): chr15:78,105,929-78,105,932, TGAA duplicated on the plus strand (TTCA on the coding strand, the reverse complement: CIB2 is on the minus strand). VCF-style (leftmost placement, unchanged base first): chr15-78105928-T-TTGAA. GRCh37 (hg19) VCF-style: chr15-78398270-T-TTGAA.
Other names: c.220_223dup, p.Asn75fs (NM_001271888.2); c.202_205dup, p.Asn69fs (NM_001271889.2); c.364_367dup, p.Asn123fs (NM_001301224.2); short protein forms N118fs, N123fs, N69fs, N75fs.
Identifiers: ClinVar variation 4856845 (VCV004856845.2).